The following is an entry in ClinVar:

ClinVar aggregate classification (germline): Conflicting classifications of pathogenicity. Review status: criteria provided, conflicting classifications (1 of 4 stars). 4 submissions from 4 submitters: Uncertain significance (2); Likely benign (2). Last evaluated 2025-10-09.

Conditions:
Cone-rod dystrophy 7 (CORD7). Identifiers: Orphanet 1872, MedGen C1863634, MONDO:0011355, OMIM 603649.

Allele frequency attached by ClinVar (database versions not stated): gnomAD exomes 0.00010 and 0.00016; TOPMed 0.00011; ExAC 0.00012; gnomAD 0.00013 and 0.00014; ESP Exome Variant Server 0.00024.
gnomAD v4.1: 251 of 1,613,834 alleles (0.016%); highest among the groups gnomAD compares: Non-Finnish European, 0.02%; no homozygotes.

Submissions (4):

Labcorp Genetics (formerly Invitae), Labcorp
Classification: Uncertain significance. Last evaluated: 2025-10-09. Review status: criteria provided, single submitter. Criteria: Invitae Variant Classification Sherloc (09022015). Collection method: clinical testing. Allele origin: germline.
Comment: This sequence change replaces serine, which is neutral and polar, with threonine, which is neutral and polar, at codon 1649 of the RIMS1 protein (p.Ser1649Thr). This variant is present in population databases (rs201355053, gnomAD 0.02%). This variant has not been reported in the literature in individuals affected with RIMS1-related conditions. ClinVar contains an entry for this variant (Variation ID: 909234). An algorithm developed to predict the effect of missense changes on protein structure and function (PolyPhen-2) suggests that this variant is likely to be tolerated. In summary, the available evidence is currently insufficient to determine the role of this variant in disease. Therefore, it has been classified as a Variant of Uncertain Significance.

Blueprint Genetics
Classification: Likely benign. Last evaluated: 2024-08-22. Review status: criteria provided, single submitter. Criteria: ACMG Guidelines, 2015. Collection method: clinical testing. Allele origin: germline.

Ambry Genetics
Classification: Uncertain significance. Last evaluated: 2021-08-02. Review status: criteria provided, single submitter. Criteria: Ambry Variant Classification Scheme 2023. Collection method: clinical testing. Allele origin: germline.

Illumina Laboratory Services, Illumina
Classification: Likely benign for Cone-rod dystrophy 7. Last evaluated: 2018-01-13. Review status: criteria provided, single submitter. Criteria: ICSL Variant Classification Criteria 13 December 2019. Collection method: clinical testing. Allele origin: germline.
Comment: This variant was observed in the ICSL laboratory as part of a predisposition screen in an ostensibly healthy population. It had not been previously curated by ICSL or reported in the Human Gene Mutation Database (HGMD: prior to June 1st, 2018), and was therefore a candidate for classification through an automated scoring system. Utilizing variant allele frequency, disease prevalence and penetrance estimates, and inheritance mode, an automated score was calculated to assess if this variant is too frequent to cause the disease. Based on the score and internal cut-off values, a variant classified as likely benign is not then subjected to further curation. The score for this variant resulted in a classification of likely benign for this disease.

NM_014989.7(RIMS1):c.4945T>A (p.Ser1649Thr)

Gene: RIMS1 (regulating synaptic membrane exocytosis 1; plus strand). Cytogenetic location: 6q13.
Variant type: single nucleotide variant.
Coding change: c.4945T>A on transcript NM_014989.7 (MANE Select); coding-DNA position 4945, T replaced by A.
Protein change: p.Ser1649Thr; replaces serine 1649 with threonine.
Molecular consequence: missense variant.
Genome position (GRCh38, 1-based): chr6:72,400,580, T>A. VCF-style: chr6-72400580-T-A. GRCh37 (hg19) VCF-style: chr6-73110282-T-A.
Other names: c.2905T>A, p.Ser969Thr (NM_001168407.2); c.2320T>A, p.Ser774Thr (NM_001168408.2, NM_001350430.2); c.2149T>A, p.Ser717Thr (NM_001168409.2); c.2347T>A, p.Ser783Thr (NM_001168410.2); c.526T>A, p.Ser176Thr (NM_001168411.2); c.2866T>A, p.Ser956Thr (NM_001350414.2); c.2962T>A, p.Ser988Thr (NM_001350415.2); c.2911T>A, p.Ser971Thr (NM_001350416.2); and 55 more; short protein forms S1031T, S1033T, S176T, S723T, S747T, S750T, S759T, S775T.
Identifiers: ClinVar variation 909234 (VCV000909234.13), dbSNP rs201355053, ClinGen allele CA3886636.